The following is an entry in ClinVar:

NM_001292063.2(OTOG):c.5860G>A (p.Ala1954Thr)

Gene: OTOG (otogelin; plus strand). Cytogenetic location: 11p15.1.
Variant type: single nucleotide variant.
Coding change: c.5860G>A on transcript NM_001292063.2 (MANE Select); coding-DNA position 5860, G replaced by A.
Protein change: p.Ala1954Thr; replaces alanine 1954 with threonine.
Molecular consequence: missense variant.
Genome position (GRCh38, 1-based): chr11:17,611,160, G>A. VCF-style: chr11-17611160-G-A. GRCh37 (hg19) VCF-style: chr11-17632707-G-A.
Other names: c.5896G>A, p.Ala1966Thr (NM_001277269.2); short protein forms A1954T, A1966T.
Identifiers: ClinVar variation 4527213 (VCV004527213.1).

ClinVar aggregate classification (germline): Uncertain significance (1 of 4 stars; one submission).

gnomAD v4.1: 1 of 1,550,536 alleles (0.000064%); highest among the groups gnomAD compares: South Asian, 0.0012%; no homozygotes.

Submission:

GeneDx
Classification: Uncertain significance. Last evaluated: 2025-04-25. Review status: criteria provided, single submitter. Criteria: GeneDx Variant Classification Process June 2021. Collection method: clinical testing. Allele origin: germline. Affected: yes.
Comment: Not observed at significant frequency in large population cohorts (gnomAD); In silico analysis indicates that this missense variant does not alter protein structure/function; Has not been previously published as pathogenic or benign to our knowledge